The following is an entry in ClinVar:

NM_001040142.2(SCN2A):c.1136G>A (p.Arg379His)

Gene: SCN2A (sodium voltage-gated channel alpha subunit 2; plus strand). Cytogenetic location: 2q24.3.
Variant type: single nucleotide variant.
Coding change: c.1136G>A on transcript NM_001040142.2 (MANE Select); coding-DNA position 1136, G replaced by A.
Protein change: p.Arg379His; replaces arginine 379 with histidine.
Molecular consequence: missense variant.
Genome position (GRCh38, 1-based): chr2:165,313,721, G>A. VCF-style: chr2-165313721-G-A. GRCh37 (hg19) VCF-style: chr2-166170231-G-A.
Other names: c.1136G>A, p.Arg379His (NM_001040143.2, NM_001371246.1, NM_001371247.1 and 1 more transcripts); short protein forms R379H.
Identifiers: ClinVar variation 1343156 (VCV001343156.6), dbSNP rs2105255398, ClinGen allele CA349021050.

ClinVar aggregate classification (germline): Pathogenic/Likely pathogenic. Review status: criteria provided, multiple submitters, no conflicts (2 of 4 stars). 3 submissions from 3 submitters: Pathogenic (2); Likely pathogenic (1). Last evaluated 2025-05-21.

Conditions:
Developmental and epileptic encephalopathy, 11 (DEE11). Also called: Early infantile epileptic encephalopathy 11. Identifiers: Orphanet 1934, MedGen C3150987, MONDO:0013388, OMIM 613721.

Submissions (4):

Institute of Immunology and Genetics Kaiserslautern
Classification: Pathogenic for Developmental and epileptic encephalopathy, 11. Last evaluated: 2025-05-21. Review status: criteria provided, single submitter. Criteria: ACMG Guidelines, 2015. Collection method: clinical testing. Allele origin: germline. Affected: yes.
Comment: ACMG Criteria: PS3, PM1, PM2_P, PM5, PP3, PP5; Variant was found in heterozygous state.

GeneDx
Classification: Pathogenic. Last evaluated: 2024-05-31. Review status: criteria provided, single submitter. Criteria: GeneDx Variant Classification Process June 2021. Collection method: clinical testing. Allele origin: germline. Affected: yes.
Comment: Published functional studies demonstrate a damaging effect to voltage-clamp peak currents (PMID: 28256214); This substitution is predicted to be within the extracellular loop between the S5 and S6 transmembrane segments of the first homologous domain.; Not observed at significant frequency in large population cohorts (gnomAD); In silico analysis supports that this missense variant has a deleterious effect on protein structure/function; This variant is associated with the following publications: (PMID: 33994118, 27824329, 28191889, 35982159, 35348308, 35982160, 31785789, 33004838, 28628100, 28256214, 25363760, 31332282, 28191890, 28714951, 31981491, 36863698)

Department of Genetics, Rouen University Hospital, Normandy Center for Genomic and Personalized Medicine
Classification: Likely pathogenic for Developmental and epileptic encephalopathy, 11. Last evaluated: 2021-01-20. Review status: criteria provided, single submitter. Criteria: ACMG Guidelines, 2015. Collection method: clinical testing. Allele origin: de novo. Affected: yes.

Channelopathy-Associated Epilepsy Research Center
No classification provided (evidence only). Condition: Complex neurodevelopmental disorder. Review status: no classification provided. Collection method: literature only. Allele origin: not applicable. Functional consequence: Overall loss-of-function, Absence of peak current. Not counted in ClinVar's aggregate classification.
ClinVar note: "not provided" was previously submitted as the classification for the variant. However, the classification appeared to be based only on an observation of functional data so it was converted to no classification on 2025-07-30.

Literature cited by the submitters: PubMed 28256214 (cited by Channelopathy-Associated Epilepsy Research Center).